The following is an entry in ClinVar:

NM_001015877.2(PHF6):c.623C>T (p.Thr208Ile)

Gene: PHF6 (PHD finger protein 6; plus strand). Cytogenetic location: Xq26.2.
Variant type: single nucleotide variant.
Coding change: c.623C>T on transcript NM_001015877.2 (MANE Select); coding-DNA position 623, C replaced by T.
Protein change: p.Thr208Ile; replaces threonine 208 with isoleucine.
Molecular consequence: missense variant.
Genome position (GRCh38, 1-based): chrX:134,413,860, C>T. VCF-style: chrX-134413860-C-T. GRCh37 (hg19) VCF-style: chrX-133547890-C-T.
Other names: c.626C>T, p.Thr209Ile (NM_032335.3); c.623C>T, p.Thr208Ile (NM_032458.3); c.623C>T (NM_032458.2); short protein forms T208I, T209I.
Identifiers: ClinVar variation 2808121 (VCV002808121.4), dbSNP rs1295117696, ClinGen allele CA414712850.

ClinVar aggregate classification (germline): Likely benign. Review status: criteria provided, single submitter (1 of 4 stars). 2 submissions from 2 submitters: Likely benign (1). 1 of the submissions does not count toward it. Last evaluated 2024-04-11.

Conditions:
PHF6-related disorder. Also called: PHF6-related condition.
Borjeson-Forssman-Lehmann syndrome (BFLS). Also called: MENTAL RETARDATION, X-LINKED, SYNDROMIC, BORJESON-FORSSMAN-LEHMANN TYPE; MENTAL RETARDATION, EPILEPSY, AND ENDOCRINE DISORDERS; BORJESON SYNDROME. Identifiers: Orphanet 127, MedGen C0265339, MONDO:0010537, OMIM 301900.

gnomAD v4.1: 2 of 1,210,714 alleles (0.00017%); highest among the groups gnomAD compares: South Asian, 0.0018%; no homozygotes.

Submissions (2):

Labcorp Genetics (formerly Invitae), Labcorp
Classification: Likely benign for Borjeson-Forssman-Lehmann syndrome. Last evaluated: 2024-04-11. Review status: criteria provided, single submitter. Criteria: Invitae Variant Classification Sherloc (09022015). Collection method: clinical testing. Allele origin: germline.

PreventionGenetics, part of Exact Sciences
Classification: Uncertain significance for PHF6-related condition. Last evaluated: 2024-02-21. Review status: no assertion criteria provided. Collection method: clinical testing. Allele origin: germline. Not counted in ClinVar's aggregate classification.
Comment: The PHF6 c.623C>T variant is predicted to result in the amino acid substitution p.Thr208Ile. To our knowledge, this variant has not been reported in the literature or in a large population database, indicating this variant is rare. At this time, the clinical significance of this variant is uncertain due to the absence of conclusive functional and genetic evidence.